The following is an entry in ClinVar:

ClinVar aggregate classification (germline): Uncertain significance. Review status: criteria provided, multiple submitters, no conflicts (2 of 4 stars). 2 submissions from 2 submitters: Uncertain significance (2). Last evaluated 2023-12-18.

Conditions:
Alstrom syndrome (ALMS). Identifiers: Orphanet 64, MedGen C0268425, MONDO:0008763, OMIM 203800.

Allele frequency attached by ClinVar (database versions not stated): gnomAD exomes 0.00001; ExAC 0.00002.
gnomAD v4.1: 7 of 1,614,110 alleles (0.00043%); highest among the groups gnomAD compares: Admixed American, 0.0017%; no homozygotes.

Submissions (2):

Labcorp Genetics (formerly Invitae), Labcorp
Classification: Uncertain significance for Alstrom syndrome. Last evaluated: 2023-12-18. Review status: criteria provided, single submitter. Criteria: Invitae Variant Classification Sherloc (09022015). Collection method: clinical testing. Allele origin: germline.
Comment: This sequence change replaces aspartic acid, which is acidic and polar, with asparagine, which is neutral and polar, at codon 3261 of the ALMS1 protein (p.Asp3261Asn). This variant is present in population databases (rs776202337, gnomAD 0.007%). This variant has not been reported in the literature in individuals affected with ALMS1-related conditions. Algorithms developed to predict the effect of missense changes on protein structure and function output the following: SIFT: "Not Available"; PolyPhen-2: "Not Available"; Align-GVGD: "Not Available". The asparagine amino acid residue is found in multiple mammalian species, which suggests that this missense change does not adversely affect protein function. In summary, the available evidence is currently insufficient to determine the role of this variant in disease. Therefore, it has been classified as a Variant of Uncertain Significance.

Blueprint Genetics
Classification: Uncertain significance. Last evaluated: 2020-01-13. Review status: criteria provided, single submitter. Criteria: ACMG Guidelines, 2015. Collection method: clinical testing. Allele origin: germline.

NM_001378454.1(ALMS1):c.9778G>A (p.Asp3260Asn)

Gene: ALMS1 (ALMS1 centrosome and basal body associated protein; plus strand). Cytogenetic location: 2p13.1.
Variant type: single nucleotide variant.
Coding change: c.9778G>A on transcript NM_001378454.1 (MANE Select); coding-DNA position 9778, G replaced by A.
Protein change: p.Asp3260Asn; replaces aspartic acid 3260 with asparagine.
Molecular consequence: missense variant.
Genome position (GRCh38, 1-based): chr2:73,520,013, G>A. VCF-style: chr2-73520013-G-A. GRCh37 (hg19) VCF-style: chr2-73747140-G-A.
Other names: c.9781G>A, p.Asp3261Asn (NM_015120.4); short protein forms D3260N, D3261N.
Identifiers: ClinVar variation 2889925 (VCV002889925.3), dbSNP rs776202337, ClinGen allele CA1714766.